The following is an entry in ClinVar:

ClinVar aggregate classification (germline): Likely pathogenic (1 of 4 stars; one submission).

Conditions:
Arginine:glycine amidinotransferase deficiency (CCDS3). Also called: Cerebral creatine deficiency syndrome 3; AGAT deficiency; L-Arginine:Glycine Amidinotransferase Deficiency; Creatine deficiency syndrome due to AGAT deficiency; GATM deficiency; L-Arginine:Glycine Amidinotransferase (AGAT) Deficiency. Identifiers: Orphanet 35704, MedGen C2675179, MONDO:0012996, OMIM 612718.

Submission:

Labcorp Genetics (formerly Invitae), Labcorp
Classification: Likely pathogenic for Arginine:glycine amidinotransferase deficiency. Last evaluated: 2023-11-27. Review status: criteria provided, single submitter. Criteria: Invitae Variant Classification Sherloc (09022015). Collection method: clinical testing. Allele origin: germline.
Comment: This sequence change affects a splice site in intron 2 of the GATM gene. It is expected to disrupt RNA splicing. Variants that disrupt the donor or acceptor splice site typically lead to a loss of protein function (PMID: 16199547), and loss-of-function variants in GATM are known to be pathogenic (PMID: 11555793). This variant is not present in population databases (gnomAD no frequency). This variant has not been reported in the literature in individuals affected with GATM-related conditions. Algorithms developed to predict the effect of sequence changes on RNA splicing suggest that this variant may disrupt the consensus splice site. In summary, the currently available evidence indicates that the variant is pathogenic, but additional data are needed to prove that conclusively. Therefore, this variant has been classified as Likely Pathogenic.

Literature cited by the submitters: PubMed 16199547; PubMed 11555793.

NM_001482.3(GATM):c.288+2_288+11del

Gene: GATM (glycine amidinotransferase; minus strand). Cytogenetic location: 15q21.1.
Variant type: Deletion.
Coding change: c.288+2_288+11del on transcript NM_001482.3 (MANE Select); the canonical splice donor site of the intron after coding-DNA position 288 through 11 bases into the intron after coding-DNA position 288, 10 bases deleted (TAAAGGAAGG; older notation c.288+2_288+11delTAAAGGAAGG).
Molecular consequence: splice donor variant.
Genome position (GRCh38, 1-based): chr15:45,376,590-45,376,599, CCTTCCTTTA deleted on the plus strand (TAAAGGAAGG on the coding strand, the reverse complement: GATM is on the minus strand); deleting any 10 consecutive bases within chr15:45,376,590-45,376,604 gives the same sequence; the c. name uses the placement nearest the transcript's 3' end. VCF-style (leftmost placement, unchanged base first): chr15-45376589-GCCTTCCTTTA-G. GRCh37 (hg19) VCF-style: chr15-45668787-GCCTTCCTTTA-G.
Other names: c.-100+2_-100+11del (NM_001321015.2).
Identifiers: ClinVar variation 2699241 (VCV002699241.3), dbSNP rs2542005145, ClinGen allele CA2697549024.
Genomic context (GRCh38, chr15:45,376,589, plus strand): 5'-AAGCAGTCAGAGGGTAGCAGCAGCAGGTGAGGAGGGAGCGCACTTTCAGACATGTGAATA[GCCTTCCTTTA>G]CCTTCACCTCGATGGTGAACGGTGGAACACAGGCGTTTTCTGCTCTGCCCACTATCACTT-3'